The following is an entry in ClinVar:

NM_012213.3(MLYCD):c.528+19T>C

Genes: MLYCD (malonyl-CoA decarboxylase; plus strand), LOC130059555 (ATAC-STARR-seq lymphoblastoid silent region 7770; plus strand). Cytogenetic location: 16q23.3.
Variant type: single nucleotide variant.
Coding change: c.528+19T>C on transcript NM_012213.3 (MANE Select); 19 bases into the intron after coding-DNA position 528, T replaced by C.
Molecular consequence: intron variant.
Genome position (GRCh38, 1-based): chr16:83,899,691, T>C. VCF-style: chr16-83899691-T-C. GRCh37 (hg19) VCF-style: chr16-83933296-T-C.
Other names: p.?.
Identifiers: ClinVar variation 95501 (VCV000095501.20), dbSNP rs446036, ClinGen allele CA285675.

ClinVar aggregate classification (germline): Benign. Review status: criteria provided, multiple submitters, no conflicts (2 of 4 stars). 9 submissions from 9 submitters: Benign (7). 2 of the submissions do not count toward it. Last evaluated 2026-02-04.

Conditions:
Deficiency of malonyl-CoA decarboxylase. Also called: Malonic aciduria; MCD deficiency. Identifiers: Orphanet 943, MedGen C0342793, MONDO:0009556, OMIM 248360.

Allele frequency attached by ClinVar (database versions not stated): TOPMed 0.95344; 1000 Genomes Project 30x 0.95472; 1000 Genomes Project 0.95707; gnomAD 0.96188; ESP Exome Variant Server 0.96756.
gnomAD v4.1: 1,487,295 of 1,499,626 alleles (99%); highest among the groups gnomAD compares: East Asian, 100%; 738,243 homozygotes.

Submissions (9):

Labcorp Genetics (formerly Invitae), Labcorp
Classification: Benign for Deficiency of malonyl-CoA decarboxylase. Last evaluated: 2026-02-04. Review status: criteria provided, single submitter. Criteria: Invitae Variant Classification Sherloc (09022015). Collection method: clinical testing. Allele origin: germline.

Blueprint Genetics
Classification: Benign. Last evaluated: 2024-11-27. Review status: criteria provided, single submitter. Criteria: ACMG Guidelines, 2015. Collection method: clinical testing. Allele origin: germline.

Mayo Clinic Laboratories, Mayo Clinic
Classification: Benign. Last evaluated: 2022-04-26. Review status: criteria provided, single submitter. Criteria: ACMG Guidelines, 2015. Collection method: clinical testing. Allele origin: germline. Observed: 74 variant alleles.

Genome-Nilou Lab
Classification: Benign for Deficiency of malonyl-CoA decarboxylase. Last evaluated: 2021-09-05. Review status: criteria provided, single submitter. Criteria: ACMG Guidelines, 2015. Collection method: clinical testing. Allele origin: germline. Affected: no.

GeneDx
Classification: Benign. Last evaluated: 2013-05-29. Review status: criteria provided, single submitter. Criteria: GeneDx Variant Classification (06012015). Collection method: clinical testing. Allele origin: germline. Affected: yes.
Comment: This variant is considered likely benign or benign based on one or more of the following criteria: it is a conservative change, it occurs at a poorly conserved position in the protein, it is predicted to be benign by multiple in silico algorithms, and/or has population frequency not consistent with disease.

Eurofins Ntd Llc (ga)
Classification: Benign. Last evaluated: 2012-11-28. Review status: criteria provided, single submitter. Criteria: EGL Classification Definitions 2015. Collection method: clinical testing. Allele origin: germline. Observed: 8 variant alleles, 8 homozygotes.

Breakthrough Genomics
Classification: Benign. Review status: criteria provided, single submitter. Criteria: ACMG Guidelines, 2015. Collection method: not provided. Allele origin: germline. Inheritance: Autosomal recessive inheritance. Affected: yes.

Clinical Genetics, Academic Medical Center
Classification: Benign. Review status: no assertion criteria provided. Collection method: clinical testing. Allele origin: germline. Affected: yes. Study: VKGL Data-share Consensus. Not counted in ClinVar's aggregate classification.

Diagnostic Laboratory, Department of Genetics, University Medical Center Groningen
Classification: Benign for Deficiency of malonyl-CoA decarboxylase. Review status: no assertion criteria provided. Collection method: clinical testing. Allele origin: germline. Affected: yes. Study: VKGL Data-share Consensus. Not counted in ClinVar's aggregate classification.